The following is an entry in ClinVar:

ClinVar aggregate classification (germline): Conflicting classifications of pathogenicity. Review status: criteria provided, conflicting classifications (1 of 4 stars). 2 submissions from 2 submitters: Likely pathogenic (1); Uncertain significance (1). Last evaluated 2025-09-25.

Conditions:
Ehlers-Danlos syndrome, kyphoscoliotic type 1 (EDSKSCL1). Also called: Ehlers-Danlos syndrome, hydroxylysine-deficient; EHLERS-DANLOS SYNDROME, OCULAR-SCOLIOTIC TYPE; PLOD1-Related Kyphoscoliotic Ehlers-Danlos Syndrome; EHLERS-DANLOS SYNDROME, TYPE VIA. Identifiers: Orphanet 1900, MedGen C0268342, MONDO:0016002, OMIM 225400. Disease mechanism: loss of function.
Familial thoracic aortic aneurysm and aortic dissection (TAAD). Also called: Thoracic aortic aneurysms and dissections. Identifiers: Orphanet 91387, MedGen C4707243, MONDO:0019625.

Submissions (2):

Ambry Genetics
Classification: Uncertain significance for Familial thoracic aortic aneurysm and aortic dissection. Last evaluated: 2025-09-25. Review status: criteria provided, single submitter. Criteria: Ambry Variant Classification Scheme 2023. Collection method: clinical testing. Allele origin: germline.
Comment: The c.1584+1G>T intronic variant results from a G to T substitution one nucleotide after coding exon 14 of the PLOD1 gene. Alterations that disrupt the canonical splice site are expected to result in aberrant splicing. In silico splice site analysis predicts that this alteration will weaken the native splice donor site and will result in the creation or strengthening of a novel splice donor site. A resulting transcript is predicted to be in-frame and is not expected to trigger nonsense-mediated mRNAdecay; although, direct evidence is unavailable. This nucleotide position is highly conserved in available vertebrate species. Based on the available evidence, the clinical significance of this variant remains unclear.

Labcorp Genetics (formerly Invitae), Labcorp
Classification: Likely pathogenic for Ehlers-Danlos syndrome, kyphoscoliotic type 1. Last evaluated: 2023-12-19. Review status: criteria provided, single submitter. Criteria: Invitae Variant Classification Sherloc (09022015). Collection method: clinical testing. Allele origin: germline.
Comment: This sequence change affects a donor splice site in intron 14 of the PLOD1 gene. It is expected to disrupt RNA splicing. Variants that disrupt the donor or acceptor splice site typically lead to a loss of protein function (PMID: 16199547), and loss-of-function variants in PLOD1 are known to be pathogenic (PMID: 10874315, 21699693). This variant is not present in population databases (gnomAD no frequency). This variant has not been reported in the literature in individuals affected with PLOD1-related conditions. Algorithms developed to predict the effect of sequence changes on RNA splicing suggest that this variant may disrupt the consensus splice site. In summary, the currently available evidence indicates that the variant is pathogenic, but additional data are needed to prove that conclusively. Therefore, this variant has been classified as Likely Pathogenic.

Literature cited by the submitters: PubMed 16199547 (cited by Labcorp Genetics (formerly Invitae), Labcorp); PubMed 10874315 (cited by Labcorp Genetics (formerly Invitae), Labcorp); PubMed 21699693 (cited by Labcorp Genetics (formerly Invitae), Labcorp).

NM_000302.4(PLOD1):c.1584+1G>T

Gene: PLOD1 (procollagen-lysine,2-oxoglutarate 5-dioxygenase 1; plus strand). Cytogenetic location: 1p36.22.
Variant type: single nucleotide variant.
Coding change: c.1584+1G>T on transcript NM_000302.4 (MANE Select); the canonical splice donor site of the intron after coding-DNA position 1584, G replaced by T.
Molecular consequence: splice donor variant.
Genome position (GRCh38, 1-based): chr1:11,965,594, G>T. VCF-style: chr1-11965594-G-T. GRCh37 (hg19) VCF-style: chr1-12025651-G-T.
Other names: c.1725+1G>T (NM_001316320.2); c.1584+1G>T (NM_000302.3).
Identifiers: ClinVar variation 2980855 (VCV002980855.4), dbSNP rs746930362, ClinGen allele CA338445491.